The following is an entry in ClinVar:

NM_139279.6(MCFD2):c.*1042C>T

Genes: MCFD2 (multiple coagulation factor deficiency 2, ER cargo receptor complex subunit; minus strand), MCFD2-AS1 (MCFD2 antisense RNA 1; plus strand). Cytogenetic location: 2p21.
Variant type: single nucleotide variant.
Coding change: c.*1042C>T on transcript NM_139279.6 (MANE Select); 1042 bases downstream of the stop codon, C replaced by T.
Molecular consequence: 3 prime UTR variant.
Genome position (GRCh38, 1-based): chr2:46,904,421, G>A on the plus strand (C>T on the coding strand, the complement: MCFD2 is on the minus strand). VCF-style: chr2-46904421-G-A. GRCh37 (hg19) VCF-style: chr2-47131560-G-A.
Other names: c.*1042C>T (NM_001171506.2, NM_001171507.2, NM_001171508.2 and 3 more transcripts).
Identifiers: ClinVar variation 336364 (VCV000336364.5), dbSNP rs111603188, ClinGen allele CA10615692.

ClinVar aggregate classification (germline): Benign (1 of 4 stars; one submission).

Conditions:
Factor 5 and Factor VIII, combined deficiency of, 2. Identifiers: Orphanet 35909, MedGen C3150889, MONDO:0013331, OMIM 613625.

Allele frequency attached by ClinVar (database versions not stated): gnomAD 0.02757 and 0.02828; TOPMed 0.02987; 1000 Genomes Project 30x 0.02998; gnomAD exomes 0.00966; 1000 Genomes Project 0.02935.
gnomAD v4.1: 4,169 of 153,270 alleles (2.7%); highest among the groups gnomAD compares: African/African-American, 6.7%; 113 homozygotes.

Submission:

Illumina Laboratory Services, Illumina
Classification: Benign for Factor 5 and Factor VIII, combined deficiency of, 2. Last evaluated: 2018-01-12. Review status: criteria provided, single submitter. Criteria: ICSL Variant Classification Criteria 13 December 2019. Collection method: clinical testing. Allele origin: germline.
Comment: This variant was observed in the ICSL laboratory as part of a predisposition screen in an ostensibly healthy population. It had not been previously curated by ICSL or reported in the Human Gene Mutation Database (HGMD: prior to June 1st, 2018), and was therefore a candidate for classification through an automated scoring system. Utilizing variant allele frequency, disease prevalence and penetrance estimates, and inheritance mode, an automated score was calculated to assess if this variant is too frequent to cause the disease. Based on the score and internal cut-off values, a variant classified as benign is not then subjected to further curation. The score for this variant resulted in a classification of benign for this disease.